The following is an entry in ClinVar:

NM_001278116.2(L1CAM):c.3048G>A (p.Gly1016=)

Gene: L1CAM (L1 cell adhesion molecule; minus strand). Cytogenetic location: Xq28.
Variant type: single nucleotide variant.
Coding change: c.3048G>A on transcript NM_001278116.2 (MANE Select); coding-DNA position 3048, G replaced by A.
Protein change: p.Gly1016=; no amino-acid change (glycine 1016 retained).
Molecular consequence: synonymous variant.
Genome position (GRCh38, 1-based): chrX:153,864,703, C>T on the plus strand (G>A on the coding strand, the complement: L1CAM is on the minus strand). VCF-style: chrX-153864703-C-T. GRCh37 (hg19) VCF-style: chrX-153130158-C-T.
Other names: c.3048G>A, p.Gly1016= (NM_000425.5, NM_024003.3); c.3033G>A, p.Gly1011= (NM_001143963.2).
Identifiers: ClinVar variation 3017934 (VCV003017934.5), dbSNP rs2064695498, ClinGen allele CA519343245.

ClinVar aggregate classification (germline): Conflicting classifications of pathogenicity. Review status: criteria provided, conflicting classifications (1 of 4 stars). 2 submissions from 2 submitters: Uncertain significance (1); Likely benign (1). Last evaluated 2023-07-25.

Conditions:
Spastic paraplegia. Identifiers: MedGen C0037772, HP:0001258.
MASA syndrome. Also called: MASA (Mental Retardation, Adducted Thumbs, Shuffling Gait, Aphasia) Syndrome, Including SPG1 (X-Linked Complicated Hereditary Spastic Paraplegia Type 1); CRASH syndrome; ADDUCTED THUMB WITH MENTAL RETARDATION; CLASPED THUMB AND MENTAL RETARDATION; GAREIS-MASON SYNDROME; MENTAL RETARDATION, APHASIA, SHUFFLING GAIT, AND ADDUCTED THUMBS. Identifiers: Orphanet 2466, MedGen C0795953, MONDO:0010559, OMIM 303350.
X-linked complicated corpus callosum dysgenesis. Also called: X-Linked Complicated Corpus Callosum Agenesis. Identifiers: Orphanet 1497, MedGen C1839909, MONDO:0010569, OMIM 304100.
X-linked hydrocephalus syndrome (HYCX). Also called: AQUEDUCTAL STENOSIS, X-LINKED; X-Linked Hydrocephalus with Stenosis of the Aqueduct of Sylvius; HYDROCEPHALUS, CONGENITAL, X-LINKED; X-Linked Hydrocephalus with Stenosis of the Aqueduct of Sylvius (HSAS); X-linked hydrocephalus. Identifiers: Orphanet 2182, MedGen C0265216, MONDO:0010611, OMIM 307000.

Allele frequency attached by ClinVar (database versions not stated): TOPMed below 0.00001; gnomAD 0.00001.
gnomAD v4.1: 2 of 1,210,951 alleles (0.00017%); highest among the groups gnomAD compares: Non-Finnish European, 0.00022%; no homozygotes.

Submissions (2):

Labcorp Genetics (formerly Invitae), Labcorp
Classification: Likely benign for Spastic paraplegia. Last evaluated: 2023-07-25. Review status: criteria provided, single submitter. Criteria: Invitae Variant Classification Sherloc (09022015). Collection method: clinical testing. Allele origin: germline.

Juno Genomics, Hangzhou Juno Genomics, Inc
Classification: Uncertain significance for X-linked complicated corpus callosum dysgenesis; X-linked hydrocephalus syndrome; MASA syndrome. Review status: criteria provided, single submitter. Criteria: ACMG Guidelines, 2015. Collection method: clinical testing. Allele origin: germline.
Comment: Absent from controls (or at extremely low frequency if recessive) in Genome Aggregation Database.